The following is an entry in ClinVar:

ClinVar aggregate classification (germline): Uncertain significance. Review status: criteria provided, multiple submitters, no conflicts (2 of 4 stars). 4 submissions from 4 submitters: Uncertain significance (4). Last evaluated 2026-02-04.

Conditions:
Catecholaminergic polymorphic ventricular tachycardia 1. Also called: VENTRICULAR TACHYCARDIA, STRESS-INDUCED POLYMORPHIC 1; RYR2-Related Catecholaminergic Polymorphic Ventricular Tachycardia; VENTRICULAR TACHYCARDIA, CATECHOLAMINERGIC POLYMORPHIC, 1, WITH OR WITHOUT ATRIAL DYSFUNCTION AND/OR DILATED CARDIOMYOPATHY. Identifiers: Orphanet 3286, MedGen C1631597, MONDO:0011484, OMIM 604772.
Cardiovascular phenotype. Identifiers: MedGen CN230736.
Catecholaminergic polymorphic ventricular tachycardia (CVPT). Also called: Catecholamine-induced polymorphic ventricular tachycardia. Identifiers: Orphanet 3286, MedGen C5574922, MONDO:0017990.
Cardiomyopathy (CMYO). Also called: Cardiomyopathies. Identifiers: Orphanet 167848, MedGen C0878544, MONDO:0004994, HP:0001638. Inheritance: Various modes of inheritance.

Allele frequency attached by ClinVar (database versions not stated): gnomAD 0.00001; TOPMed 0.00001; gnomAD exomes 0.00003; ExAC 0.00004; ESP Exome Variant Server 0.00008.
gnomAD v4.1: 16 of 1,613,726 alleles (0.00099%); highest among the groups gnomAD compares: Admixed American, 0.0017%; no homozygotes.

Submissions (4):

Labcorp Genetics (formerly Invitae), Labcorp
Classification: Uncertain significance for Catecholaminergic polymorphic ventricular tachycardia 1. Last evaluated: 2026-02-04. Review status: criteria provided, single submitter. Criteria: Invitae Variant Classification Sherloc (09022015). Collection method: clinical testing. Allele origin: germline.
Comment: This sequence change replaces glutamic acid, which is acidic and polar, with aspartic acid, which is acidic and polar, at codon 3223 of the RYR2 protein (p.Glu3223Asp). This variant is present in population databases (rs377626309, gnomAD 0.004%). This variant has not been reported in the literature in individuals affected with RYR2-related conditions. ClinVar contains an entry for this variant (Variation ID: 952852). Invitae Evidence Modeling of protein sequence and biophysical properties (such as structural, functional, and spatial information, amino acid conservation, physicochemical variation, residue mobility, and thermodynamic stability) indicates that this missense variant is not expected to disrupt RYR2 protein function with a negative predictive value of 95%. In summary, the available evidence is currently insufficient to determine the role of this variant in disease. Therefore, it has been classified as a Variant of Uncertain Significance.

Color Diagnostics, LLC DBA Color Health
Classification: Uncertain significance for Cardiomyopathy. Last evaluated: 2025-07-25. Review status: criteria provided, single submitter. Criteria: ACMG Guidelines, 2015. Collection method: clinical testing. Allele origin: germline.
Comment: This missense variant replaces glutamic acid with aspartic acid at codon 3223 of the RYR2 protein. Computational prediction suggests that this variant may not impact protein structure and function. To our knowledge, functional studies have not been reported for this variant. This variant has not been reported in individuals affected with RYR2-related disorders in the literature. This variant has been identified in 7/249110 chromosomes in the general population by the Genome Aggregation Database (gnomAD). The available evidence is insufficient to determine the role of this variant in disease conclusively. Therefore, this variant is classified as a Variant of Uncertain Significance.

Ambry Genetics
Classification: Uncertain significance for Cardiovascular phenotype. Last evaluated: 2025-07-02. Review status: criteria provided, single submitter. Criteria: Ambry Variant Classification Scheme 2023. Collection method: clinical testing. Allele origin: germline.
Comment: The p.E3223D variant (also known as c.9669G>C), located in coding exon 68 of the RYR2 gene, results from a G to C substitution at nucleotide position 9669. The glutamic acid at codon 3223 is replaced by aspartic acid, an amino acid with highly similar properties. This amino acid position is highly conserved in available vertebrate species. In addition, this alteration is predicted to be tolerated by in silico analysis. Since supporting evidence is limited at this time, the clinical significance of this alteration remains unclear.

All of Us Research Program, National Institutes of Health
Classification: Uncertain significance for Catecholaminergic polymorphic ventricular tachycardia. Last evaluated: 2024-09-23. Review status: criteria provided, single submitter. Criteria: ACMG Guidelines, 2015. Collection method: clinical testing. Allele origin: germline. Inheritance: Autosomal dominant inheritance. Observed: 5 variant alleles, 5 heterozygotes.
Comment: This missense variant replaces glutamic acid with aspartic acid at codon 3223 of the RYR2 protein. Computational prediction suggests that this variant may not impact protein structure and function (internally defined REVEL score threshold <= 0.5, PMID: 27666373). To our knowledge, functional studies have not been reported for this variant. This variant has not been reported in individuals affected with RYR2-related disorders in the literature. This variant has been identified in 7/249110 chromosomes in the general population by the Genome Aggregation Database (gnomAD). The available evidence is insufficient to determine the role of this variant in disease conclusively. Therefore, this variant is classified as a Variant of Uncertain Significance.

This study involves interpretation of variants in research participants for the purpose of population health screening. Participant phenotype was not available at the time of variant classification. Additional details can be found in publication PMID: 35346344, PMCID: PMC8962531

NM_001035.3(RYR2):c.9669G>C (p.Glu3223Asp)

Gene: RYR2 (ryanodine receptor 2; plus strand). Cytogenetic location: 1q43.
Variant type: single nucleotide variant.
Coding change: c.9669G>C on transcript NM_001035.3 (MANE Select); coding-DNA position 9669, G replaced by C.
Protein change: p.Glu3223Asp; replaces glutamic acid 3223 with aspartic acid.
Molecular consequence: missense variant.
Genome position (GRCh38, 1-based): chr1:237,707,037, G>C. VCF-style: chr1-237707037-G-C. GRCh37 (hg19) VCF-style: chr1-237870337-G-C.
Other names: short protein forms E3223D.
Identifiers: ClinVar variation 952852 (VCV000952852.15), dbSNP rs377626309, ClinGen allele CA087941.